The following is an entry in ClinVar:

NM_004544.4(NDUFA10):c.1000-10del

Gene: NDUFA10 (NADH:ubiquinone oxidoreductase subunit A10; minus strand). Cytogenetic location: 2q37.3.
Variant type: Deletion.
Coding change: c.1000-10del on transcript NM_004544.4 (MANE Select); 10 bases into the intron before coding-DNA position 1000, one base deleted (T; older notation c.1000-10delT).
Molecular consequence: intron variant.
Genome position (GRCh38, 1-based): chr2:239,961,196, A deleted on the plus strand (T on the coding strand, the reverse complement: NDUFA10 is on the minus strand); the first of 5 consecutive A bases (chr2:239,961,196-239,961,200); deleting any one gives the same sequence. VCF-style (leftmost placement, unchanged base first): chr2-239961195-GA-G. GRCh37 (hg19) VCF-style: chr2-240900612-GA-G.
Other names: c.1000-14delT (NM_004544.3); c.891-10del (NM_001322020.2).
Identifiers: ClinVar variation 214700 (VCV000214700.10), dbSNP rs863224081, ClinGen allele CA320155.

ClinVar aggregate classification (germline): Benign/Likely benign. Review status: criteria provided, multiple submitters, no conflicts (2 of 4 stars). 4 submissions from 3 submitters: Benign (2); Likely benign (1). 1 of the submissions does not count toward it. Last evaluated 2025-08-18.

Submissions (4):

Labcorp Genetics (formerly Invitae), Labcorp
Classification: Benign. Last evaluated: 2025-08-18. Review status: criteria provided, single submitter. Criteria: Invitae Variant Classification Sherloc (09022015). Collection method: clinical testing. Allele origin: germline.

GeneDx
Classification: Benign. Last evaluated: 2017-10-26. Review status: criteria provided, single submitter. Criteria: GeneDx Variant Classification (06012015). Collection method: clinical testing. Allele origin: germline. Affected: yes.
Comment: This variant is considered likely benign or benign based on one or more of the following criteria: it is a conservative change, it occurs at a poorly conserved position in the protein, it is predicted to be benign by multiple in silico algorithms, and/or has population frequency not consistent with disease.

Center for Pediatric Genomic Medicine, Children's Mercy Hospital and Clinics
Classification: Likely benign. Last evaluated: 2017-03-30. Review status: criteria provided, single submitter. Criteria: ACMG Guidelines, 2015. Collection method: clinical testing. Allele origin: germline.

GeneDx
Classification: Benign. Last evaluated: 2014-04-02. Review status: flagged submission. Criteria: GeneDx Variant Classification (06012015). Collection method: clinical testing. Allele origin: germline. Affected: yes. Not counted in ClinVar's aggregate classification.
Comment: The variant is found in MITONUC-MITOP panel(s).
ClinVar note: Reason: This record appears to be redundant with a more recent record from the same submitter.
ClinVar note: Notes: SCV000251780 appears to be redundant with SCV000969914.